The following is an entry in ClinVar:

GRCh38/hg38 16q23.1(chr16:74658508-75378014)x3

Genes: BCAR1 (BCAR1 scaffold protein, Cas family member; minus strand), CFDP1 (craniofacial development protein 1; minus strand), CTRB1 (chymotrypsinogen B1; plus strand), CTRB2 (chymotrypsinogen B2; minus strand), FA2H (fatty acid 2-hydroxylase; minus strand) and 57 more. Cytogenetic location: 16q23.1.
Variant type: copy number gain.
Change: copy number 3 (three copies instead of two) of chr16:74,658,508-75,378,014 (719.5 kb, GRCh38 coordinates, 1-based), cytogenetic band 16q23.1.
Identifiers: ClinVar variation 60021 (VCV000060021.1).

ClinVar aggregate classification (germline): Uncertain significance (1 of 4 stars; one submission).

Submission:

ISCA site 14
Classification: Uncertain significance. Last evaluated: 2011-08-12. Review status: criteria provided, single submitter. Criteria: Kaminsky et al. (Genet Med. 2011). Collection method: clinical testing. Allele origin: unknown. Affected: yes. Observed: 1 variant allele.
Comment: Copy number variation identified through the course of routine clinical cytogenomic testing in postnatal populations. Clinical assertions have been curated as described in Kaminsky et al. 2011.